The following is an entry in ClinVar:

ClinVar aggregate classification (germline): Benign (1 of 4 stars; one submission).

Conditions:
Gelatinous droplike corneal dystrophy (GDLD). Also called: AMYLOID CORNEAL DYSTROPHY, JAPANESE TYPE. Identifiers: Orphanet 98957, MedGen C0339273, MONDO:0008777, OMIM 204870.

Allele frequency attached by ClinVar (database versions not stated): 1000 Genomes Project 30x 0.00734; 1000 Genomes Project 0.00739; gnomAD 0.00863; TOPMed 0.00913.

Submission:

Illumina Laboratory Services, Illumina
Classification: Benign for Gelatinous droplike corneal dystrophy. Last evaluated: 2018-01-13. Review status: criteria provided, single submitter. Criteria: ICSL Variant Classification Criteria 13 December 2019. Collection method: clinical testing. Allele origin: germline.
Comment: This variant was observed in the ICSL laboratory as part of a predisposition screen in an ostensibly healthy population. It had not been previously curated by ICSL or reported in the Human Gene Mutation Database (HGMD: prior to June 1st, 2018), and was therefore a candidate for classification through an automated scoring system. Utilizing variant allele frequency, disease prevalence and penetrance estimates, and inheritance mode, an automated score was calculated to assess if this variant is too frequent to cause the disease. Based on the score and internal cut-off values, a variant classified as benign is not then subjected to further curation. The score for this variant resulted in a classification of benign for this disease.

NM_002353.3(TACSTD2):c.-1C>A

Gene: TACSTD2 (tumor associated calcium signal transducer 2; minus strand). Cytogenetic location: 1p32.1.
Variant type: single nucleotide variant.
Coding change: c.-1C>A on transcript NM_002353.3 (MANE Select); 1 bases upstream of the start codon, C replaced by A.
Molecular consequence: 5 prime UTR variant.
Genome position (GRCh38, 1-based): chr1:58,577,157, G>T on the plus strand (C>A on the coding strand, the complement: TACSTD2 is on the minus strand). VCF-style: chr1-58577157-G-T. GRCh37 (hg19) VCF-style: chr1-59042829-G-T.
Identifiers: ClinVar variation 297773 (VCV000297773.5), dbSNP rs232836, ClinGen allele CA877503.